The following is an entry in ClinVar:

ClinVar aggregate classification (germline): Uncertain significance. Review status: criteria provided, multiple submitters, no conflicts (2 of 4 stars). 2 submissions from 2 submitters: Uncertain significance (2). Last evaluated 2024-02-06.

Conditions:
Wilson disease (WND). Also called: Wilson's disease. Identifiers: Orphanet 905, MedGen C0019202, MONDO:0010200, OMIM 277900. Disease mechanism: loss of function.

Allele frequency attached by ClinVar (database versions not stated): gnomAD 0.00001; TOPMed 0.00001; ExAC 0.00002; ESP Exome Variant Server 0.00008.
gnomAD v4.1: 21 of 1,613,902 alleles (0.0013%); highest among the groups gnomAD compares: South Asian, 0.011%; no homozygotes.

Submissions (2):

Fulgent Genetics
Classification: Uncertain significance for Wilson disease. Last evaluated: 2024-02-06. Review status: criteria provided, single submitter. Criteria: ACMG Guidelines, 2015. Collection method: clinical testing. Allele origin: germline.

Labcorp Genetics (formerly Invitae), Labcorp
Classification: Uncertain significance for Wilson disease. Last evaluated: 2022-02-26. Review status: criteria provided, single submitter. Criteria: Invitae Variant Classification Sherloc (09022015). Collection method: clinical testing. Allele origin: germline.
Comment: This sequence change replaces aspartic acid, which is acidic and polar, with asparagine, which is neutral and polar, at codon 946 of the ATP7B protein (p.Asp946Asn). This variant is present in population databases (rs370961504, gnomAD 0.003%). This variant has not been reported in the literature in individuals affected with ATP7B-related conditions. Advanced modeling of protein sequence and biophysical properties (such as structural, functional, and spatial information, amino acid conservation, physicochemical variation, residue mobility, and thermodynamic stability) performed at Invitae indicates that this missense variant is not expected to disrupt ATP7B protein function. In summary, the available evidence is currently insufficient to determine the role of this variant in disease. Therefore, it has been classified as a Variant of Uncertain Significance.

NM_000053.4(ATP7B):c.2836G>A (p.Asp946Asn)

Gene: ATP7B (ATPase copper transporting beta; minus strand). Cytogenetic location: 13q14.3.
Variant type: single nucleotide variant.
Coding change: c.2836G>A on transcript NM_000053.4 (MANE Select); coding-DNA position 2836, G replaced by A.
Protein change: p.Asp946Asn; replaces aspartic acid 946 with asparagine.
Molecular consequence: missense variant. On other transcripts: intron variant (1).
Genome position (GRCh38, 1-based): chr13:51,949,691, C>T on the plus strand (G>A on the coding strand, the complement: ATP7B is on the minus strand). VCF-style: chr13-51949691-C-T. GRCh37 (hg19) VCF-style: chr13-52523827-C-T.
Other names: c.2503G>A, p.Asp835Asn (NM_001243182.2); c.2602G>A, p.Asp868Asn (NM_001330578.2, NM_001406527.1, NM_001406528.1 and 1 more transcripts); c.2584G>A, p.Asp862Asn (NM_001330579.2, NM_001406531.1, NM_001406532.1 and 1 more transcripts); c.2836G>A, p.Asp946Asn (NM_001406511.1, NM_001406512.1, NM_001406513.1 and 3 more transcripts); c.2596G>A, p.Asp866Asn (NM_001406530.1); c.2506G>A, p.Asp836Asn (NM_001406536.1); c.2692G>A, p.Asp898Asn (NM_001406537.1, NM_001406520.1, NM_001406521.1 and 1 more transcripts); c.2407G>A, p.Asp803Asn (NM_001406539.1); and 9 more; short protein forms D516N, D803N, D868N, D730N, D752N, D830N, D935N, D946N.
Identifiers: ClinVar variation 2150520 (VCV002150520.2), dbSNP rs370961504, ClinGen allele CA6988898.